The following is an entry in ClinVar:

NM_198253.3(TERT):c.1114A>G (p.Met372Val)

Gene: TERT (telomerase reverse transcriptase; minus strand). Cytogenetic location: 5p15.33.
Variant type: single nucleotide variant.
Coding change: c.1114A>G on transcript NM_198253.3 (MANE Select); coding-DNA position 1114, A replaced by G.
Protein change: p.Met372Val; replaces methionine 372 with valine.
Molecular consequence: missense variant. On other transcripts: non-coding transcript variant (2).
Genome position (GRCh38, 1-based): chr5:1,293,772, T>C on the plus strand (A>G on the coding strand, the complement: TERT is on the minus strand). VCF-style: chr5-1293772-T-C. GRCh37 (hg19) VCF-style: chr5-1293887-T-C.
Other names: c.1114A>G, p.Met372Val (NM_001193376.3); short protein forms M372V.
Identifiers: ClinVar variation 3455161 (VCV003455161.1).

ClinVar aggregate classification (germline): Uncertain significance (1 of 4 stars; one submission).

Conditions:
Dyskeratosis congenita. Identifiers: Orphanet 1775, MedGen C0265965, MONDO:0015780.

Submission:

Ambry Genetics
Classification: Uncertain significance for Dyskeratosis congenita. Last evaluated: 2024-07-16. Review status: criteria provided, single submitter. Criteria: Ambry Variant Classification Scheme 2023. Collection method: clinical testing. Allele origin: germline.
Comment: The p.M372V variant (also known as c.1114A>G), located in coding exon 2 of the TERT gene, results from an A to G substitution at nucleotide position 1114. The methionine at codon 372 is replaced by valine, an amino acid with highly similar properties. This amino acid position is conserved. In addition, this alteration is predicted to be tolerated by in silico analysis. Based on the available evidence, the clinical significance of this variant remains unclear.